The following is an entry in ClinVar:

ClinVar aggregate classification (germline): Pathogenic (1 of 4 stars; one submission).

Conditions:
Hypertrophic cardiomyopathy 4. Also called: Familial hypertrophic cardiomyopathy 4. Identifiers: MedGen C1861862, MONDO:0007268, OMIM 115197.

Submission:

Victorian Clinical Genetics Services, Murdoch Childrens Research Institute
Classification: Pathogenic for Hypertrophic cardiomyopathy 4. Last evaluated: 2023-12-21. Review status: criteria provided, single submitter. Criteria: ACMG Guidelines, 2015. Collection method: clinical testing. Allele origin: germline. Inheritance: Autosomal dominant inheritance. Affected: yes.
Comment: Based on the classification scheme VCGS_Germline_v1.3.4, this variant is classified as Pathogenic. Following criteria are met: 0102 - Loss of function is a known mechanism of disease in this gene and is associated with hypertrophic cardiomyopathy 4 (HCM; MIM#115197). (I) 0108 - This gene is associated with both recessive and dominant disease. Dominant inheritance is frequently reported in adult onset conditions and recessive inheritance results in a more severe early onset phenotype (OMIM). (I) 0115 - Variants in this gene are known to have variable expressivity (PMID: 32841044). (I) 0201 - Variant is predicted to cause nonsense-mediated decay (NMD) and loss of protein (premature termination codon is located at least 54 nucleotides upstream of the final exon-exon junction). (SP) 0251 - This variant is heterozygous. (I) 0301 - Variant is absent from gnomAD (both v2 and v3). (SP) 0701 - Other premature termination variants comparable to the one identified in this case have very strong previous evidence for pathogenicity. Many NMD-predicted variants in this gene have been reported as likely pathogenic/pathogenic (ClinVar). (SP) 0803 - This variant has limited previous evidence of pathogenicity in an unrelated individual. It has been reported in one individual with hypertrophic cardiomyopathy (PMID: 32815737). (SP) 0905 - No published segregation evidence has been identified for this variant. (I) 1007 - No published functional evidence has been identified for this variant. (I) 1208 - Inheritance information for this variant is not currently available in this individual. (I) Legend: (SP) - Supporting pathogenic, (I) - Information, (SB) - Supporting benign

Literature cited by the submitters: PubMed 32815737; PubMed 32841044.

NM_000256.3(MYBPC3):c.2743G>T (p.Glu915Ter)

Gene: MYBPC3 (myosin binding protein C3; minus strand). Cytogenetic location: 11p11.2.
Variant type: single nucleotide variant.
Coding change: c.2743G>T on transcript NM_000256.3 (MANE Select); coding-DNA position 2743, G replaced by T.
Protein change: p.Glu915Ter; replaces glutamic acid 915 with a stop codon.
Molecular consequence: nonsense.
Genome position (GRCh38, 1-based): chr11:47,335,204, C>A on the plus strand (G>T on the coding strand, the complement: MYBPC3 is on the minus strand). VCF-style: chr11-47335204-C-A. GRCh37 (hg19) VCF-style: chr11-47356755-C-A.
Other names: short protein forms E915*.
Identifiers: ClinVar variation 3376852 (VCV003376852.1).